The following is an entry in ClinVar:

ClinVar aggregate classification (germline): Pathogenic. Review status: reviewed by expert panel (3 of 4 stars). 9 submissions from 9 submitters: Pathogenic (1). 8 of the submissions do not count toward it. Last evaluated 2017-12-08.

Conditions:
Cystic fibrosis (CF). Also called: MUCOVISCIDOSIS. Identifiers: Orphanet 586, MedGen C0010674, MONDO:0009061, OMIM 219700. Disease mechanism: loss of function.
Congenital bilateral aplasia of vas deferens from CFTR mutation (CBAVD). Identifiers: Orphanet 48, MedGen C0403814, MONDO:0010178, OMIM 277180. Disease mechanism: loss of function.
Hereditary pancreatitis (PCTT). Also called: Hereditary chronic pancreatitis; PRSS1-Related Hereditary Pancreatitis. Identifiers: Orphanet 676, MedGen C0238339, MONDO:0008185, OMIM 167800.
Bronchiectasis with or without elevated sweat chloride 1 (BESC1). Also called: Cystic Fibrosis-Like Syndrome. Identifiers: Orphanet 60033, MedGen C2749757, MONDO:0008887, OMIM 211400.
CFTR-related disorder (CFTR-RD). Also called: CFTR-related disorders; CFTR-related condition. Identifiers: MedGen C5924204, MONDO:7770004.

Allele frequency attached by ClinVar (database versions not stated): ExAC 0.00001; gnomAD exomes below 0.00001.
gnomAD v4.1: 1 of 1,609,752 alleles (0.000062%); highest among the groups gnomAD compares: South Asian, 0.0011%; no homozygotes.

Submissions (9):

CFTR2
Classification: Pathogenic for Cystic fibrosis. Last evaluated: 2017-12-08. Review status: reviewed by expert panel. Criteria: Sosnay PR et al. (Nat Genet 2013). Collection method: research. Allele origin: germline. Affected: yes.

Natera, Inc.
Classification: Likely pathogenic for CFTR-related disorders. Last evaluated: 2025-11-21. Review status: criteria provided, single submitter. Criteria: Natera Variant Classification Schema (03/2026). Collection method: clinical testing. Allele origin: germline. Not counted in ClinVar's aggregate classification.
Comment: The c.3717+5G>A variant in CFTR is an intronic variant located outside the canonical splice sites. This variant is rare in the general population with a frequency below the threshold expected for the associated phenotype(s). This variant has been observed in one or more individuals affected with the associated recessive disease, as either homozygous or compound heterozygous with a second variant (PMID: 12439892, 37147251). Functional studies show that this variant may disrupt protein function (PMID: 33085659). Computational prediction algorithms indicate this variant is likely to affect gene or protein function. Given the available evidence, this variant is classified as Likely Pathogenic.

Women's Health and Genetics/Laboratory Corporation of America, LabCorp
Classification: Pathogenic for Cystic fibrosis. Last evaluated: 2022-10-26. Review status: criteria provided, single submitter. Criteria: LabCorp Variant Classification Summary - May 2015. Collection method: clinical testing. Allele origin: germline. Not counted in ClinVar's aggregate classification.
Comment: Variant summary: CFTR c.3717+5G>A alters a conserved nucleotide located close to a canonical splice site and therefore could affect mRNA splicing, leading to a significantly altered protein sequence. Several computational tools predict a significant impact on normal splicing: Three predict the variant abolishes the canonical 5' splicing donor site. At least one publication reports experimental evidence that this variant affects mRNA splicing as resulting in a shortened transcript, although the primary data are not provided (example, Joynt_2020). The variant allele was found at a frequency of 4.1e-06 in 246164 control chromosomes. c.3717+5G>A has been reported in the literature as a homozygous genotype in at-least one individual and with limited genotype information in multiple individuals affected with Cystic Fibrosis (e.g. Bonyadi_2017, Bustami_2018, Kilinc_2002. These data indicate that the variant is very likely to be associated with disease. One clinical diagnostic laboratory and an expert panel (CFTR-2) have submitted clinical-significance assessments for this variant to ClinVar after 2014 without evidence for independent evaluation. All submitters classified the variant as pathogenic/likely pathogenic. Based on the evidence outlined above, the variant was classified as pathogenic.

Institute of Human Genetics, University of Leipzig Medical Center
Classification: Likely pathogenic for Cystic fibrosis. Last evaluated: 2022-09-05. Review status: criteria provided, single submitter. Criteria: ACMG Guidelines, 2015. Collection method: curation. Allele origin: unknown. Affected: yes. Observed: 1 variant allele. Not counted in ClinVar's aggregate classification.
Comment: The variant was classified in the context of a project re-classifying variants in the German Cystic Fibrosis Registry (Muko.e.V.). Criteria applied: PM2_SUP, PM3_STR, PP3, PP4

Ambry Genetics
Classification: Uncertain significance for Cystic fibrosis. Last evaluated: 2022-09-02. Review status: criteria provided, single submitter. Criteria: Ambry Variant Classification Scheme 2023. Collection method: clinical testing. Allele origin: germline. Not counted in ClinVar's aggregate classification.
Comment: The c.3717+5G>A intronic variant results from a G to A substitution 5 nucleotides after coding exon 22 in the CFTR gene. This variant was detected as homozygous in an individual with classic cystic fibrosis (Kilin&ccedil; MO et al. Am J Med Genet, 2002 Dec;113:250-7). In addition, this variant has <10% of wild type quantity in The Clinical and Functional TRanslation of CFTR (CFTR2) database (available at CFTR2. Accessed 09/01/2022). This nucleotide position is highly conserved in available vertebrate species. In silico splice site analysis predicts that this alteration will weaken the native splice donor site. Since supporting evidence is limited at this time, the clinical significance of this alteration remains unclear.

Labcorp Genetics (formerly Invitae), Labcorp
Classification: Likely pathogenic for Cystic fibrosis. Last evaluated: 2022-05-27. Review status: criteria provided, single submitter. Criteria: Invitae Variant Classification Sherloc (09022015). Collection method: clinical testing. Allele origin: germline. Not counted in ClinVar's aggregate classification.
Comment: This sequence change falls in intron 22 of the CFTR gene. It does not directly change the encoded amino acid sequence of the CFTR protein. It affects a nucleotide within the consensus splice site. In summary, the currently available evidence indicates that the variant is pathogenic, but additional data are needed to prove that conclusively. Therefore, this variant has been classified as Likely Pathogenic. Variants that disrupt the consensus splice site are a relatively common cause of aberrant splicing (PMID: 17576681, 9536098). Algorithms developed to predict the effect of sequence changes on RNA splicing suggest that this variant may disrupt the consensus splice site. ClinVar contains an entry for this variant (Variation ID: 35875). This variant is also known as 3849+5G>A. This variant has been observed in individual(s) with cystic fibrosis (PMID: 12439892, 23974870). This variant is present in population databases (rs193922520, gnomAD 0.003%).

Fulgent Genetics
Classification: Likely pathogenic for Hereditary pancreatitis; Bronchiectasis with or without elevated sweat chloride 1; Cystic fibrosis; Congenital bilateral aplasia of vas deferens from CFTR mutation. Last evaluated: 2022-03-19. Review status: criteria provided, single submitter. Criteria: ACMG Guidelines, 2015. Collection method: clinical testing. Allele origin: unknown. Not counted in ClinVar's aggregate classification.

Baylor Genetics
Classification: Pathogenic for Congenital bilateral aplasia of vas deferens from CFTR mutation; Cystic fibrosis. Review status: criteria provided, single submitter. Criteria: ACMG Guidelines, 2015. Collection method: clinical testing. Allele origin: germline. Not counted in ClinVar's aggregate classification.

PreventionGenetics, part of Exact Sciences
Classification: Pathogenic for CFTR-related condition. Last evaluated: 2024-09-25. Review status: no assertion criteria provided. Collection method: clinical testing. Allele origin: germline. Not counted in ClinVar's aggregate classification.
Comment: The CFTR c.3717+5G>A variant is predicted to interfere with splicing. This variant, also known as c.3849+5G>A, has been reported in multiple individuals with cystic fibrosis and pancreatic insufficiency (Kilinc et al. 2002. PubMed ID: 12439892). It has also been reported in an individual with unilateral congenital absence of the vas deferens (Akinsal et al. 2018. PubMed ID: 29484681) and reported as a lower risk variant for patients with cystic fibrosis to develop cystic fibrosis-related diabetes (CFRD) (Adler et al. 2008 PMID:18535191). Of note, another variant impacting the same splice site (c.3717+5G>T) has been reported together with delta508 in a patient with severe presentation (Aalbers et al. 2022. PubMed ID: 35110005). Functional assays in patient-derived intestinal organoids showed minimum swelling supporting loss of function (Aalbers et al. 2022. PubMed ID: 35110005). The c.3717+5G>A variant is predicted to alter splicing based on available splicing prediction programs (SpliceAI, Jarganathan et al. 2019. PubMed ID: 30661751) and has been confirmed to cause abnormal splicing, resulting in a truncated protein (Joynt et al. 2020. PMID: 33085659). It is reported in 0.0033% of alleles in individuals of South Asian descent in gnomAD and is interpreted as pathogenic by the CFTR2 expert group in ClinVar. This variant is interpreted as pathogenic.

Literature cited by the submitters: PubMed 12439892 (cited by 4 submitters); PubMed 37147251 (cited by Natera, Inc.); PubMed 33085659 (cited by Natera, Inc. and Women's Health and Genetics/Laboratory Corporation of America, LabCorp); PubMed 28957316 (cited by Women's Health and Genetics/Laboratory Corporation of America, LabCorp); PubMed 29484681 (cited by Women's Health and Genetics/Laboratory Corporation of America, LabCorp); PubMed 17576681 (cited by Labcorp Genetics (formerly Invitae), Labcorp); PubMed 9536098 (cited by Labcorp Genetics (formerly Invitae), Labcorp); PubMed 23974870 (cited by Labcorp Genetics (formerly Invitae), Labcorp).

NM_000492.4(CFTR):c.3717+5G>A

Genes: CFTR (CF transmembrane conductance regulator; plus strand), CFTR-AS2 (CFTR antisense RNA 2; minus strand). Cytogenetic location: 7q31.2.
Variant type: single nucleotide variant.
Coding change: c.3717+5G>A on transcript NM_000492.4 (MANE Select); 5 bases into the intron after coding-DNA position 3717, G replaced by A.
Molecular consequence: intron variant.
Genome position (GRCh38, 1-based): chr7:117,627,775, G>A. VCF-style: chr7-117627775-G-A. GRCh37 (hg19) VCF-style: chr7-117267829-G-A.
Other names: 3849+5G->A.
Identifiers: ClinVar variation 35875 (VCV000035875.15), dbSNP rs193922520, ClinGen allele CA260242.